The following is an entry in ClinVar:

ClinVar aggregate classification (germline): Uncertain significance (1 of 4 stars; one submission).

Conditions:
Glycogen storage disease type III (GSD3). Also called: Cori disease; FORBES DISEASE. Identifiers: Orphanet 366, MedGen C0017922, MONDO:0009291, OMIM 232400.

Allele frequency attached by ClinVar (database versions not stated): gnomAD 0.00001; gnomAD exomes 0.00001 and 0.00002; ExAC 0.00003.

Submission:

Labcorp Genetics (formerly Invitae), Labcorp
Classification: Uncertain significance for Glycogen storage disease type III. Last evaluated: 2022-06-04. Review status: criteria provided, single submitter. Criteria: Invitae Variant Classification Sherloc (09022015). Collection method: clinical testing. Allele origin: germline.
Comment: This sequence change replaces alanine, which is neutral and non-polar, with valine, which is neutral and non-polar, at codon 859 of the AGL protein (p.Ala859Val). This variant is present in population databases (rs746800661, gnomAD 0.005%). This variant has not been reported in the literature in individuals affected with AGL-related conditions. ClinVar contains an entry for this variant (Variation ID: 1403526). Algorithms developed to predict the effect of missense changes on protein structure and function are either unavailable or do not agree on the potential impact of this missense change (SIFT: "Tolerated"; PolyPhen-2: "Possibly Damaging"; Align-GVGD: "Class C0"). In summary, the available evidence is currently insufficient to determine the role of this variant in disease. Therefore, it has been classified as a Variant of Uncertain Significance.

NM_000642.3(AGL):c.2576C>T (p.Ala859Val)

Gene: AGL (amylo-alpha-1,6-glucosidase and 4-alpha-glucanotransferase; plus strand). Cytogenetic location: 1p21.2.
Variant type: single nucleotide variant.
Coding change: c.2576C>T on transcript NM_000642.3 (MANE Select); coding-DNA position 2576, C replaced by T.
Protein change: p.Ala859Val; replaces alanine 859 with valine.
Molecular consequence: missense variant.
Genome position (GRCh38, 1-based): chr1:99,884,598, C>T. VCF-style: chr1-99884598-C-T. GRCh37 (hg19) VCF-style: chr1-100350154-C-T.
Other names: c.2576C>T, p.Ala859Val (NM_000028.3, NM_000643.3, NM_000644.3 and 2 more transcripts); c.2528C>T, p.Ala843Val (NM_000646.3); c.2375C>T, p.Ala792Val (NM_001425327.1); c.2372C>T, p.Ala791Val (NM_001425328.1); c.2198C>T, p.Ala733Val (NM_001425332.1); short protein forms A859V, A843V, A733V, A791V, A792V.
Identifiers: ClinVar variation 1403526 (VCV001403526.3), dbSNP rs746800661, ClinGen allele CA966835.